The following is an entry in ClinVar:

ClinVar aggregate classification (germline): Uncertain significance (1 of 4 stars; one submission).

Allele frequency attached by ClinVar (database versions not stated): gnomAD 0.00001.
gnomAD v4.1: 2 of 1,612,034 alleles (0.00012%); highest among the groups gnomAD compares: Non-Finnish European, 0.00017%; no homozygotes.

Submission:

Labcorp Genetics (formerly Invitae), Labcorp
Classification: Uncertain significance. Last evaluated: 2022-08-10. Review status: criteria provided, single submitter. Criteria: Invitae Variant Classification Sherloc (09022015). Collection method: clinical testing. Allele origin: germline.
Comment: This sequence change falls in intron 47 of the CDH23 gene. It does not directly change the encoded amino acid sequence of the CDH23 protein. It affects a nucleotide within the consensus splice site. This variant is not present in population databases (gnomAD no frequency). This variant has not been reported in the literature in individuals affected with CDH23-related conditions. Variants that disrupt the consensus splice site are a relatively common cause of aberrant splicing (PMID: 17576681, 9536098). Algorithms developed to predict the effect of sequence changes on RNA splicing suggest that this variant is not likely to affect RNA splicing. In summary, the available evidence is currently insufficient to determine the role of this variant in disease. Therefore, it has been classified as a Variant of Uncertain Significance.

Literature cited by the submitters: PubMed 17576681; PubMed 9536098.

NM_022124.6(CDH23):c.6253+6C>T

Gene: CDH23 (cadherin related 23; plus strand). Cytogenetic location: 10q22.1.
Variant type: single nucleotide variant.
Coding change: c.6253+6C>T on transcript NM_022124.6 (MANE Select); 6 bases into the intron after coding-DNA position 6253, C replaced by T.
Molecular consequence: intron variant.
Genome position (GRCh38, 1-based): chr10:71,791,341, C>T. VCF-style: chr10-71791341-C-T. GRCh37 (hg19) VCF-style: chr10-73551098-C-T.
Identifiers: ClinVar variation 2023419 (VCV002023419.1), dbSNP rs1841245070, ClinGen allele CA929789190.
Genomic context (GRCh38, chr10:71,791,341, plus strand): 5'-CCCACCTTTAGCCCTGCCACCCTCACTGTCCATCTGCTAGAGAACTGCCCGCCTGGTAAG[C>T]AGGGGACAGGCCCCAGCACCCCACAACCAGGGGCCGGTTGGTGGTCACAGGGGACTGGAG-3'